The following is an entry in ClinVar:

ClinVar aggregate classification (germline): Uncertain significance (1 of 4 stars; one submission).

Submission:

Victorian Clinical Genetics Services, Murdoch Childrens Research Institute
Classification: Uncertain significance. Review status: criteria provided, single submitter. Criteria: ACMG Guidelines, 2015. Collection method: clinical testing. Allele origin: maternal. Affected: yes.
Comment: This is a rare duplication with few comparable entries in the relevant databases. In the absence of an abnormal phenotype in the carrier parent, this most likely represents a rare familial variant with no obvious clinical significance.

NC_000007.14:g.158815519_159037266dup

Genes: DYNC2I1 (dynein 2 intermediate chain 1; plus strand), ESYT2 (extended synaptotagmin 2; minus strand), LINC00689 (long intergenic non-protein coding RNA 689; plus strand), VIPR2 (vasoactive intestinal peptide receptor 2; minus strand), LOC108254663 (LINC00689 intron CAGE-defined high expression enhancer; plus strand) and 12 more. Cytogenetic location: 7q36.3.
Variant type: Duplication.
Identifiers: ClinVar variation 2500764 (VCV002500764.1).